The following is an entry in ClinVar:

ClinVar aggregate classification (germline): Uncertain significance (1 of 4 stars; one submission).

Conditions:
Emery-Dreifuss muscular dystrophy 5, autosomal dominant (EDMD5). Also called: EMERY-DREIFUSS MUSCULAR DYSTROPHY 5. Identifiers: Orphanet 261, MedGen C2751805, MONDO:0013072, OMIM 612999.

Allele frequency attached by ClinVar (database versions not stated): TOPMed below 0.00001; ExAC 0.00001.
gnomAD v4.1: 3 of 1,614,094 alleles (0.00019%); highest among the groups gnomAD compares: Admixed American, 0.0017%; no homozygotes.

Submission:

Labcorp Genetics (formerly Invitae), Labcorp
Classification: Uncertain significance for Emery-Dreifuss muscular dystrophy 5, autosomal dominant. Last evaluated: 2023-03-07. Review status: criteria provided, single submitter. Criteria: Invitae Variant Classification Sherloc (09022015). Collection method: clinical testing. Allele origin: germline.
Comment: This sequence change replaces serine, which is neutral and polar, with phenylalanine, which is neutral and non-polar, at codon 6467 of the SYNE2 protein (p.Ser6467Phe). This variant is present in population databases (rs773806326, gnomAD 0.003%). This variant has not been reported in the literature in individuals affected with SYNE2-related conditions. An algorithm developed to predict the effect of missense changes on protein structure and function (PolyPhen-2) suggests that this variant is likely to be disruptive. In summary, the available evidence is currently insufficient to determine the role of this variant in disease. Therefore, it has been classified as a Variant of Uncertain Significance.

NM_182914.3(SYNE2):c.19400C>T (p.Ser6467Phe)

Gene: SYNE2 (spectrin repeat containing nuclear envelope protein 2; plus strand). Cytogenetic location: 14q23.2.
Variant type: single nucleotide variant.
Coding change: c.19400C>T on transcript NM_182914.3 (MANE Select); coding-DNA position 19400, C replaced by T.
Protein change: p.Ser6467Phe; replaces serine 6467 with phenylalanine.
Molecular consequence: missense variant. On other transcripts: intron variant (1).
Genome position (GRCh38, 1-based): chr14:64,215,352, C>T. VCF-style: chr14-64215352-C-T. GRCh37 (hg19) VCF-style: chr14-64682070-C-T.
Other names: c.302C>T, p.Ser101Phe (NM_182913.4); c.19333+882C>T (NM_015180.6); short protein forms S6467F, S101F.
Identifiers: ClinVar variation 2916834 (VCV002916834.3), dbSNP rs773806326, ClinGen allele CA7224409.